The following is an entry in ClinVar:

ClinVar aggregate classification (germline): Uncertain significance (1 of 4 stars; one submission).

Submission:

GeneDx
Classification: Uncertain significance. Last evaluated: 2025-01-02. Review status: criteria provided, single submitter. Criteria: GeneDx Variant Classification Process June 2021. Collection method: clinical testing. Allele origin: germline. Affected: yes.
Comment: Not observed at significant frequency in large population cohorts (gnomAD); Nonsense variant predicted to result in protein truncation or nonsense mediated decay in a gene or region of a gene for which loss of function is not a well-established mechanism of disease; Has not been previously published as pathogenic or benign to our knowledge

NM_017852.5(NLRP2):c.2437del (p.Ser812_Leu813insTer)

Gene: NLRP2 (NLR family pyrin domain containing 2; plus strand). Cytogenetic location: 19q13.42.
Variant type: Deletion.
Coding change: c.2437del on transcript NM_017852.5 (MANE Select); coding-DNA position 2437, one base deleted (C; older notation c.2437delC).
Protein change: p.Ser812_Leu813insTer.
Molecular consequence: nonsense. On other transcripts: non-coding transcript variant (1).
Genome position (GRCh38, 1-based): chr19:54,990,092, C deleted; the last of 3 consecutive C bases (chr19:54,990,090-54,990,092); deleting any one gives the same sequence. VCF-style (leftmost placement, unchanged base first): chr19-54990089-TC-T. GRCh37 (hg19) VCF-style: chr19-55501457-TC-T.
Other names: c.2437del, p.Ser812_Leu813insTer (NM_001174081.3); c.2371del, p.Ser790_Leu791insTer (NM_001174082.3); c.2368del, p.Ser789_Leu790insTer (NM_001174083.2); c.2428del, p.Ser809_Leu810insTer (NM_001348003.2).
Identifiers: ClinVar variation 4055929 (VCV004055929.1).